The following is an entry in ClinVar:

ClinVar aggregate classification (germline): Uncertain significance (1 of 4 stars; one submission).

Conditions:
Hereditary spastic paraplegia 4. Also called: Spastic Paraplegia 4; Spastic paraplegia 4, autosomal dominant; Familial spastic paraplegia autosomal dominant 2. Identifiers: Orphanet 100985, MedGen C1866855, MONDO:0008438, OMIM 182601.

Submission:

MGZ Medical Genetics Center
Classification: Uncertain significance for Hereditary spastic paraplegia 4. Last evaluated: 2022-07-18. Review status: criteria provided, single submitter. Criteria: ACMG Guidelines, 2015. Collection method: clinical testing. Allele origin: germline. Affected: yes. Observed: 1 variant allele.
Comment: ACMG criteria applied: PM2_SUP

NM_014946.4(SPAST):c.1351A>G (p.Arg451Gly)

Gene: SPAST (spastin; plus strand). Cytogenetic location: 2p22.3.
Variant type: single nucleotide variant.
Coding change: c.1351A>G on transcript NM_014946.4 (MANE Select); coding-DNA position 1351, A replaced by G.
Protein change: p.Arg451Gly; replaces arginine 451 with glycine.
Molecular consequence: missense variant.
Genome position (GRCh38, 1-based): chr2:32,136,906, A>G. VCF-style: chr2-32136906-A-G. GRCh37 (hg19) VCF-style: chr2-32361975-A-G.
Other names: c.1348A>G, p.Arg450Gly (NM_001363823.2); c.1252A>G, p.Arg418Gly (NM_001363875.2); c.1255A>G, p.Arg419Gly (NM_001377959.1, NM_199436.2); short protein forms R418G, R419G, R450G, R451G.
Identifiers: ClinVar variation 1709620 (VCV001709620.2), dbSNP rs2465884072, ClinGen allele CA346502224.
Genomic context (GRCh38, chr2:32,136,906, plus strand): 5'-AATTAAAGTCTTATACTTGTATTTCCTCTAGATGAAGTTGATAGCCTTTTGTGTGAAAGA[A>G]GAGAAGGGGAGCACGATGCTAGTAGACGCCTAAAAACTGAATTTCTAATAGAATTTGATG-3'
Protein context (NP_055761.2, residues 441-461): DEVDSLLCER[Arg451Gly]EGEHDASRRL